The following is an entry in ClinVar:

NM_001292063.2(OTOG):c.2967G>A (p.Pro989=)

Gene: OTOG (otogelin; plus strand). Cytogenetic location: 11p15.1.
Variant type: single nucleotide variant.
Coding change: c.2967G>A on transcript NM_001292063.2 (MANE Select); coding-DNA position 2967, G replaced by A.
Protein change: p.Pro989=; no amino-acid change (proline 989 retained).
Molecular consequence: synonymous variant.
Genome position (GRCh38, 1-based): chr11:17,591,549, G>A. VCF-style: chr11-17591549-G-A. GRCh37 (hg19) VCF-style: chr11-17613096-G-A.
Other names: c.3003G>A, p.Pro1001= (NM_001277269.2).
Identifiers: ClinVar variation 226877 (VCV000226877.21), dbSNP rs11024331, ClinGen allele CA5905686.

ClinVar aggregate classification (germline): Benign/Likely benign. Review status: criteria provided, multiple submitters, no conflicts (2 of 4 stars). 6 submissions from 6 submitters: Benign (1); Likely benign (4). 1 of the submissions does not count toward it. Last evaluated 2025-12-16.

Conditions:
OTOG-related disorder. Also called: OTOG-related condition.

Allele frequency attached by ClinVar (database versions not stated): gnomAD exomes 0.00034 and 0.00072; ExAC 0.00042; 1000 Genomes Project 30x 0.00265; 1000 Genomes Project 0.00300; gnomAD 0.00362 and 0.00392; TOPMed 0.00403.
gnomAD v4.1: 1,037 of 1,550,632 alleles (0.067%); highest among the groups gnomAD compares: African/African-American, 1.3%; 6 homozygotes.

Submissions (6):

Labcorp Genetics (formerly Invitae), Labcorp
Classification: Likely benign. Last evaluated: 2025-12-16. Review status: criteria provided, single submitter. Criteria: Invitae Variant Classification Sherloc (09022015). Collection method: clinical testing. Allele origin: germline.

Blueprint Genetics
Classification: Likely benign. Last evaluated: 2023-11-28. Review status: criteria provided, single submitter. Criteria: ACMG Guidelines, 2015. Collection method: clinical testing. Allele origin: germline.

GeneDx
Classification: Likely benign. Last evaluated: 2021-10-13. Review status: criteria provided, single submitter. Criteria: GeneDx Variant Classification Process June 2021. Collection method: clinical testing. Allele origin: germline. Affected: yes.

Laboratory for Molecular Medicine, Mass General Brigham Personalized Medicine
Classification: Benign. Last evaluated: 2014-11-24. Review status: criteria provided, single submitter. Criteria: LMM Criteria. Collection method: clinical testing. Allele origin: germline. Observed: 2 variant alleles.
Comment: Pro1001Pro in exon 24 of OTOG: This variant is not expected to have clinical sig nificance because it does not alter an amino acid residue and is not located wit hin the splice consensus sequence. It has been identified in 1.4% (7/492) of Afr ican chromosomes from a broad population by the 1000 Genomes Project (.; dbSNP rs11024331).

Breakthrough Genomics
Classification: Likely benign. Review status: criteria provided, single submitter. Criteria: ACMG Guidelines, 2015. Collection method: not provided. Allele origin: germline. Inheritance: Autosomal recessive inheritance. Affected: yes.

PreventionGenetics, part of Exact Sciences
Classification: Benign for OTOG-related condition. Last evaluated: 2022-02-08. Review status: no assertion criteria provided. Collection method: clinical testing. Allele origin: germline. Not counted in ClinVar's aggregate classification.
Comment: This variant is classified as benign based on ACMG/AMP sequence variant interpretation guidelines (Richards et al. 2015 PMID: 25741868, with internal and published modifications).